The following is an entry in ClinVar:

NM_198525.3(KIF7):c.2548C>T (p.Arg850Trp)

Gene: KIF7 (kinesin family member 7; minus strand). Cytogenetic location: 15q26.1.
Variant type: single nucleotide variant.
Coding change: c.2548C>T on transcript NM_198525.3 (MANE Select); coding-DNA position 2548, C replaced by T.
Protein change: p.Arg850Trp; replaces arginine 850 with tryptophan.
Molecular consequence: missense variant.
Genome position (GRCh38, 1-based): chr15:89,633,730, G>A on the plus strand (C>T on the coding strand, the complement: KIF7 is on the minus strand). VCF-style: chr15-89633730-G-A. GRCh37 (hg19) VCF-style: chr15-90176961-G-A.
Other names: c.2548C>T (NM_198525.2); short protein forms R850W.
Identifiers: ClinVar variation 1437210 (VCV001437210.9), dbSNP rs200210231, ClinGen allele CA7728105.

ClinVar aggregate classification (germline): Uncertain significance. Review status: criteria provided, multiple submitters, no conflicts (2 of 4 stars). 4 submissions from 4 submitters: Uncertain significance (4). Last evaluated 2025-03-31.

Conditions:
Inborn genetic diseases. Identifiers: MedGen C0950123, MeSH D030342.
Hydrolethalus syndrome 2 (HLS2). Identifiers: Orphanet 2189, MedGen C3279899, MONDO:0013585, OMIM 614120.
Multiple epiphyseal dysplasia, Al-Gazali type. Also called: Macrocephaly with multiple epiphyseal dysplasia and distinctive facies. Identifiers: Orphanet 166024, MedGen C1846722, MONDO:0011778, OMIM 607131.
Acrocallosal syndrome (ACLS). Also called: HALLUX DUPLICATION, POSTAXIAL POLYDACTYLY, AND ABSENCE OF CORPUS CALLOSUM; Schinzel syndrome 1; Absence of corpus callosum with unusual facial appearance, mental deficiency, duplication of the halluces and polydactyly. Identifiers: Orphanet 36, MedGen C0796147, MONDO:0008708, OMIM 200990.

Allele frequency attached by ClinVar (database versions not stated): ExAC 0.00004; gnomAD exomes 0.00004; gnomAD 0.00009 and 0.00010; TOPMed 0.00009; ESP Exome Variant Server 0.00023.
gnomAD v4.1: 43 of 1,608,638 alleles (0.0027%); highest among the groups gnomAD compares: African/African-American, 0.02%; no homozygotes.

Submissions (4):

Labcorp Genetics (formerly Invitae), Labcorp
Classification: Uncertain significance for Acrocallosal syndrome. Last evaluated: 2025-03-31. Review status: criteria provided, single submitter. Criteria: Invitae Variant Classification Sherloc (09022015). Collection method: clinical testing. Allele origin: germline.
Comment: This sequence change replaces arginine, which is basic and polar, with tryptophan, which is neutral and slightly polar, at codon 850 of the KIF7 protein (p.Arg850Trp). This variant is present in population databases (rs200210231, gnomAD 0.03%). This variant has not been reported in the literature in individuals affected with KIF7-related conditions. ClinVar contains an entry for this variant (Variation ID: 1437210). Invitae Evidence Modeling of protein sequence and biophysical properties (such as structural, functional, and spatial information, amino acid conservation, physicochemical variation, residue mobility, and thermodynamic stability) has been performed for this missense variant. However, the output from this modeling did not meet the statistical confidence thresholds required to predict the impact of this variant on KIF7 protein function. In summary, the available evidence is currently insufficient to determine the role of this variant in disease. Therefore, it has been classified as a Variant of Uncertain Significance.

Fulgent Genetics
Classification: Uncertain significance for Acrocallosal syndrome; Multiple epiphyseal dysplasia, Al-Gazali type; Hydrolethalus syndrome 2. Last evaluated: 2024-06-18. Review status: criteria provided, single submitter. Criteria: ACMG Guidelines, 2015. Collection method: clinical testing. Allele origin: germline.

Ambry Genetics
Classification: Uncertain significance for Inborn genetic diseases. Last evaluated: 2024-02-21. Review status: criteria provided, single submitter. Criteria: Ambry Variant Classification Scheme 2023. Collection method: clinical testing. Allele origin: germline.

GeneDx
Classification: Uncertain significance. Last evaluated: 2023-11-04. Review status: criteria provided, single submitter. Criteria: GeneDx Variant Classification Process June 2021. Collection method: clinical testing. Allele origin: germline. Affected: yes.
Comment: In silico analysis supports that this missense variant has a deleterious effect on protein structure/function; Has not been previously published as pathogenic or benign to our knowledge